The following is an entry in ClinVar:

NM_152703.5(SAMD9L):c.4183C>A (p.Pro1395Thr)

Gene: SAMD9L (sterile alpha motif domain containing 9 like; minus strand). Cytogenetic location: 7q21.2.
Variant type: single nucleotide variant.
Coding change: c.4183C>A on transcript NM_152703.5 (MANE Select); coding-DNA position 4183, C replaced by A.
Protein change: p.Pro1395Thr; replaces proline 1395 with threonine.
Molecular consequence: missense variant.
Genome position (GRCh38, 1-based): chr7:93,131,789, G>T on the plus strand (C>A on the coding strand, the complement: SAMD9L is on the minus strand). VCF-style: chr7-93131789-G-T. GRCh37 (hg19) VCF-style: chr7-92761102-G-T.
Other names: c.4183C>A, p.Pro1395Thr (NM_001303496.3, NM_001303497.3, NM_001303498.3 and 5 more transcripts); short protein forms P1395T.
Identifiers: ClinVar variation 3792202 (VCV003792202.1).

ClinVar aggregate classification (germline): Uncertain significance (1 of 4 stars; one submission).

Conditions:
Inborn genetic diseases. Identifiers: MedGen C0950123, MeSH D030342.

gnomAD v4.1: 3 of 1,613,448 alleles (0.00019%); highest among the groups gnomAD compares: Admixed American, 0.005%; no homozygotes.

Submission:

Ambry Genetics
Classification: Uncertain significance for Inborn genetic diseases. Last evaluated: 2024-12-14. Review status: criteria provided, single submitter. Criteria: Ambry Variant Classification Scheme 2023. Collection method: clinical testing. Allele origin: germline.
Comment: The p.P1395T variant (also known as c.4183C>A), located in coding exon 1 of the SAMD9L gene, results from a C to A substitution at nucleotide position 4183. The proline at codon 1395 is replaced by threonine, an amino acid with highly similar properties. This amino acid position is conserved. In addition, the in silico prediction for this alteration is inconclusive. Based on the available evidence, the clinical significance of this variant remains unclear.